The following is an entry in ClinVar:

NM_006892.4(DNMT3B):c.226G>A (p.Gly76Arg)

Gene: DNMT3B (DNA methyltransferase 3 beta; plus strand). Cytogenetic location: 20q11.21.
Variant type: single nucleotide variant.
Coding change: c.226G>A on transcript NM_006892.4 (MANE Select); coding-DNA position 226, G replaced by A.
Protein change: p.Gly76Arg; replaces glycine 76 with arginine.
Molecular consequence: missense variant. On other transcripts: intron variant (1).
Genome position (GRCh38, 1-based): chr20:32,784,779, G>A. VCF-style: chr20-32784779-G-A. GRCh37 (hg19) VCF-style: chr20-31372585-G-A.
Other names: c.226G>A, p.Gly76Arg (NM_001207055.2, NM_175848.2, NM_175849.2); c.262G>A, p.Gly88Arg (NM_175850.3); c.205-2451G>A (NM_001207056.2); short protein forms G76R, G88R.
Identifiers: ClinVar variation 1025076 (VCV001025076.4), dbSNP rs545685689, ClinGen allele CA313183002.

ClinVar aggregate classification (germline): Uncertain significance (1 of 4 stars; one submission).

Conditions:
Centromeric instability of chromosomes 1,9 and 16 and immunodeficiency (ICF1). Also called: IMMUNE DEFICIENCY, VARIABLE, WITH CENTROMERIC INSTABILITY OF CHROMOSOMES 1, 9, AND 16; IMMUNODEFICIENCY SYNDROME, VARIABLE; Immunodeficiency-centromeric instability-facial anomalies; CENTROMERIC INSTABILITY, IMMUNODEFICIENCY SYNDROME. Identifiers: Orphanet 2268, MedGen C0398788, MONDO:0000133.

Allele frequency attached by ClinVar (database versions not stated): gnomAD exomes 0.00001; TOPMed 0.00001; gnomAD 0.00002 and 0.00003.

Submission:

Labcorp Genetics (formerly Invitae), Labcorp
Classification: Uncertain significance for Centromeric instability of chromosomes 1,9 and 16 and immunodeficiency. Last evaluated: 2022-08-09. Review status: criteria provided, single submitter. Criteria: Invitae Variant Classification Sherloc (09022015). Collection method: clinical testing. Allele origin: germline.
Comment: This sequence change replaces glycine, which is neutral and non-polar, with arginine, which is basic and polar, at codon 76 of the DNMT3B protein (p.Gly76Arg). This variant is present in population databases (rs545685689, gnomAD 0.006%). This variant has not been reported in the literature in individuals affected with DNMT3B-related conditions. ClinVar contains an entry for this variant (Variation ID: 1025076). Algorithms developed to predict the effect of missense changes on protein structure and function (SIFT, PolyPhen-2, Align-GVGD) all suggest that this variant is likely to be tolerated. In summary, the available evidence is currently insufficient to determine the role of this variant in disease. Therefore, it has been classified as a Variant of Uncertain Significance.